The following is an entry in ClinVar:

NM_000287.4(PEX6):c.2807-2A>G

Gene: PEX6 (peroxisomal biogenesis factor 6; minus strand). Cytogenetic location: 6p21.1.
Variant type: single nucleotide variant.
Coding change: c.2807-2A>G on transcript NM_000287.4 (MANE Select); the canonical splice acceptor site of the intron before coding-DNA position 2807, A replaced by G.
Molecular consequence: splice acceptor variant.
Genome position (GRCh38, 1-based): chr6:42,964,473, T>C on the plus strand (A>G on the coding strand, the complement: PEX6 is on the minus strand). VCF-style: chr6-42964473-T-C. GRCh37 (hg19) VCF-style: chr6-42932211-T-C.
Other names: c.2543-2A>G (NM_001316313.2); c.2807-2A>G (NM_000287.3).
Identifiers: ClinVar variation 2677692 (VCV002677692.5), dbSNP rs267608251, ClinGen allele CA138220926.
Genomic context (GRCh38, chr6:42,964,473, plus strand): 5'-GGCAGCCTGCAGCAAGTCCTCCATGGTGAGCATCAGTGCTGAGCTACCTGGCTCCAGCCC[T>C]GGAGATGACAAGGTGGGGAGGCTGTGGTCTATGCCCAGGCAGGGGAGAGCCCTGCGAAGG-3'

ClinVar aggregate classification (germline): Pathogenic/Likely pathogenic. Review status: criteria provided, multiple submitters, no conflicts (2 of 4 stars). 3 submissions from 3 submitters: Pathogenic (1); Likely pathogenic (2). Last evaluated 2025-10-03.

Conditions:
Heimler syndrome 2 (HMLR2). Also called: PEROXISOME BIOGENESIS DISORDER 4C. Identifiers: Orphanet 3220, MedGen C4225267, OMIM 616617, MONDO:0014709.
Zellweger spectrum disorders (ZS). Also called: Zellweger syndrome; Zellweger Spectrum Disorder; Zellweger Spectrum; Zellweger Spectrum Disorder (ZSD). Identifiers: Orphanet 912, MedGen C0043459, MONDO:0019609.

Allele frequency attached by ClinVar (database versions not stated): gnomAD 0.00001; gnomAD exomes below 0.00001; TOPMed 0.00001.
gnomAD v4.1: 2 of 1,613,102 alleles (0.00012%); highest among the groups gnomAD compares: Non-Finnish European, 0.00017%; no homozygotes.

Submissions (3):

Dasa
Classification: Likely pathogenic. Last evaluated: 2025-10-03. Review status: criteria provided, single submitter. Criteria: DASA Assertion Criteria. Collection method: clinical testing. Allele origin: germline.
Comment: NM_000287.4(PEX6):c.2807-2A>G affects a canonical splice site and is predicted to disrupt normal RNA splicing. Loss of function is an established disease mechanism for PEX6-associated disorders. Segregation data support an association with disease in the reported family/families (PMID: 32214787; PMID: 19877282). This variant has been recurrently observed in individuals with PEX6-related disorders (PMID: 32214787; PMID: 19877282). Also, this variant is rare in population databases. Based on the currently available evidence, this variant is classified as likely pathogenic.

Natera, Inc.
Classification: Likely pathogenic for Zellweger syndrome. Last evaluated: 2025-02-20. Review status: criteria provided, single submitter. Criteria: Natera Variant Classification Schema (03/2026). Collection method: clinical testing. Allele origin: germline.
Comment: The c.2807-2A>G variant in PEX6 is a canonical splice acceptor site variant predicted to affect pre-mRNA splicing, which may result in an abnormal transcript and altered protein product. This variant may result in a truncated or dysfunctional protein product. This variant is rare in the general population with a frequency below the threshold expected for the associated phenotype(s). This variant has been observed in one or more individuals affected with the associated recessive disease, as either homozygous or compound heterozygous with a second variant (PMID: 19877282). Additionally, this variant has been observed to segregate in affected family members (PMID: 32214787). Functional studies show that this variant may disrupt protein function (PMID: 19877282). Given the available evidence, this variant is classified as Likely Pathogenic.

Baylor Genetics
Classification: Pathogenic for Heimler syndrome 2. Last evaluated: 2023-11-25. Review status: criteria provided, single submitter. Criteria: ACMG Guidelines, 2015. Collection method: clinical testing. Allele origin: unknown.

Literature cited by the submitters: PubMed 32214787 (cited by Dasa and Natera, Inc.); PubMed 19877282 (cited by Dasa and Natera, Inc.).